The following is an entry in ClinVar:

NM_000016.6(ACADM):c.1005G>A (p.Met335Ile)

Gene: ACADM (acyl-CoA dehydrogenase medium chain; plus strand). Cytogenetic location: 1p31.1.
Variant type: single nucleotide variant.
Coding change: c.1005G>A on transcript NM_000016.6 (MANE Select); coding-DNA position 1005, G replaced by A.
Protein change: p.Met335Ile; replaces methionine 335 with isoleucine.
Molecular consequence: missense variant.
Genome position (GRCh38, 1-based): chr1:75,761,181, G>A. VCF-style: chr1-75761181-G-A. GRCh37 (hg19) VCF-style: chr1-76226866-G-A.
Other names: c.1017G>A, p.Met339Ile (NM_001127328.3); c.897G>A, p.Met299Ile (NM_001286042.2); c.1104G>A, p.Met368Ile (NM_001286043.2); c.438G>A, p.Met146Ile (NM_001286044.2); short protein forms M146I, M299I, M335I, M339I, M368I.
Identifiers: ClinVar variation 4813522 (VCV004813522.1).
Genomic context (GRCh38, chr1:75,761,181, plus strand): 5'-GCACCAAGCAATATCATTTATGCTGGCTGAAATGGCAATGAAAGTTGAACTAGCTAGAAT[G>A]AGTTACCAGAGAGCAGCTTGGGAGGTTGATTCTGGTCGTCGAAATACCTATTATGCTTCT-3'
Protein context (NP_000007.1, residues 325-345): EMAMKVELAR[Met335Ile]SYQRAAWEVD

ClinVar aggregate classification (germline): Pathogenic (1 of 4 stars; one submission).

Conditions:
Medium-chain acyl-coenzyme A dehydrogenase deficiency (ACADMD). Also called: MCAD Deficiency; CARNITINE DEFICIENCY SECONDARY TO MEDIUM-CHAIN ACYL-CoA DEHYDROGENASE DEFICIENCY; MCADH DEFICIENCY; ACADM DEFICIENCY; MCADD; Medium chain acyl-CoA dehydrogenase deficiency. Identifiers: Orphanet 42, MedGen C0220710, MONDO:0008721, OMIM 201450.

Submission:

Mendelics
Classification: Pathogenic for Medium-chain acyl-coenzyme A dehydrogenase deficiency. Last evaluated: 2026-03-05. Review status: criteria provided, single submitter. Criteria: ACMG Guidelines, 2015. Collection method: clinical testing. Allele origin: unknown.
Comment: Likely pathogenic/Pathogenic according to ACMG criteria.